The following is an entry in ClinVar:

ClinVar aggregate classification (germline): Pathogenic (1 of 4 stars; one submission).

gnomAD v4.1: 1 of 1,614,206 alleles (0.000062%); highest among the groups gnomAD compares: South Asian, 0.0011%; no homozygotes.

Submission:

Labcorp Genetics (formerly Invitae), Labcorp
Classification: Pathogenic. Last evaluated: 2025-01-14. Review status: criteria provided, single submitter. Criteria: Invitae Variant Classification Sherloc (09022015). Collection method: clinical testing. Allele origin: germline.
Comment: This sequence change creates a premature translational stop signal (p.Trp147*) in the CANT1 gene. It is expected to result in an absent or disrupted protein product. Loss-of-function variants in CANT1 are known to be pathogenic (PMID: 19853239, 21037275, 22539336). This variant is not present in population databases (gnomAD no frequency). This variant has not been reported in the literature in individuals affected with CANT1-related conditions. For these reasons, this variant has been classified as Pathogenic.

Literature cited by the submitters: PubMed 19853239; PubMed 21037275; PubMed 22539336.

NM_001159773.2(CANT1):c.441G>A (p.Trp147Ter)

Gene: CANT1 (calcium activated nucleotidase 1; minus strand). Cytogenetic location: 17q25.3.
Variant type: single nucleotide variant.
Coding change: c.441G>A on transcript NM_001159773.2 (MANE Select); coding-DNA position 441, G replaced by A.
Protein change: p.Trp147Ter; replaces tryptophan 147 with a stop codon.
Molecular consequence: nonsense.
Genome position (GRCh38, 1-based): chr17:78,997,182, C>T on the plus strand (G>A on the coding strand, the complement: CANT1 is on the minus strand). VCF-style: chr17-78997182-C-T. GRCh37 (hg19) VCF-style: chr17-76993264-C-T.
Other names: c.441G>A, p.Trp147Ter (NM_001159772.2, NM_138793.4); short protein forms W147*.
Identifiers: ClinVar variation 3677302 (VCV003677302.2).
Genomic context (GRCh38, chr17:78,997,182, plus strand): 5'-TAGCTCCATGCCTCTCCCCTTCTCCGCCAGGTGGGACTCCAGGACCCCATGGTCTTTGTC[C>T]CATTCCACGGCCACCTTGTCCCCACTGTCTGACAGGGTCAGGTAGCCCTTTTTCAGGTAA-3'